The following is an entry in ClinVar:

ClinVar aggregate classification (germline): Likely benign. Review status: criteria provided, multiple submitters, no conflicts (2 of 4 stars). 2 submissions from 2 submitters: Likely benign (2). Last evaluated 2025-09-03.

Allele frequency attached by ClinVar (database versions not stated): ExAC 0.00003; gnomAD exomes 0.00003; gnomAD 0.00004 and 0.00005; TOPMed 0.00004.
gnomAD v4.1: 49 of 1,604,776 alleles (0.0031%); highest among the groups gnomAD compares: East Asian, 0.0067%; no homozygotes.

Submissions (2):

Labcorp Genetics (formerly Invitae), Labcorp
Classification: Likely benign. Last evaluated: 2025-09-03. Review status: criteria provided, single submitter. Criteria: Invitae Variant Classification Sherloc (09022015). Collection method: clinical testing. Allele origin: germline.

CeGaT Center for Human Genetics Tuebingen
Classification: Likely benign. Last evaluated: 2022-03-01. Review status: criteria provided, single submitter. Criteria: CeGaT Center For Human Genetics Tuebingen Variant Classification Criteria Version 2. Collection method: clinical testing. Allele origin: germline. Affected: yes. Observed: 1 variant allele.
Comment: HELLS: BP4, BP7

NM_018063.5(HELLS):c.1770C>T (p.Ile590=)

Gene: HELLS (helicase, lymphoid specific; plus strand). Cytogenetic location: 10q23.33.
Variant type: single nucleotide variant.
Coding change: c.1770C>T on transcript NM_018063.5 (MANE Select); coding-DNA position 1770, C replaced by T.
Protein change: p.Ile590=; no amino-acid change (isoleucine 590 retained).
Molecular consequence: synonymous variant.
Genome position (GRCh38, 1-based): chr10:94,592,231, C>T. VCF-style: chr10-94592231-C-T. GRCh37 (hg19) VCF-style: chr10-96351988-C-T.
Other names: c.1908C>T, p.Ile636= (NM_001289067.2); c.1722C>T, p.Ile574= (NM_001289068.2); c.1674C>T, p.Ile558= (NM_001289069.2); c.1476C>T, p.Ile492= (NM_001289070.2); c.1398C>T, p.Ile466= (NM_001289071.2); c.1380C>T, p.Ile460= (NM_001289072.2); c.1356C>T, p.Ile452= (NM_001289073.2); c.687C>T, p.Ile229= (NM_001289074.2); and 1 more.
Identifiers: ClinVar variation 1569716 (VCV001569716.32), dbSNP rs147829794, ClinGen allele CA5615589.
Genomic context (GRCh38, chr10:94,592,231, plus strand): 5'-TTTAACAAAGCAAATAACAGTTTTCTCTCTATTTTTTCTTCCTTTGCCCCTCCTTAAGAT[C>T]GATGAAGAATTGGTAACAAATTCTGGGAAGTTCTTGATTTTGGATCGAATGCTGCCAGAA-3'
Protein context (NP_060533.2, residues 580-600): PIDPVTQEFK[Ile590=]DEELVTNSGK